The following is an entry in ClinVar:

ClinVar aggregate classification (germline): Uncertain significance. Review status: criteria provided, multiple submitters, no conflicts (2 of 4 stars). 3 submissions from 3 submitters: Uncertain significance (3). Last evaluated 2025-10-15.

Conditions:
Aicardi-Goutieres syndrome 6 (AGS6). Identifiers: Orphanet 51, MedGen C3539013, MONDO:0014007, OMIM 615010.
Symmetrical dyschromatosis of extremities (DSH). Also called: DYSCHROMATOSIS SYMMETRICA HEREDITARIA 1; Dyschromatosis symmetrica hereditaria; RETICULATE ACROPIGMENTATION OF DOHI; SYMMETRIC DYSCHROMATOSIS OF THE EXTREMITIES. Identifiers: Orphanet 41, MedGen C0406775, MONDO:0007483, OMIM 127400.

Allele frequency attached by ClinVar (database versions not stated): gnomAD 0.00001; TOPMed 0.00001; gnomAD exomes 0.00003 and 0.00007; ExAC 0.00004.
gnomAD v4.1: 100 of 1,614,198 alleles (0.0062%); highest among the groups gnomAD compares: Middle Eastern, 0.016%; no homozygotes.

Submissions (3):

Labcorp Genetics (formerly Invitae), Labcorp
Classification: Uncertain significance for Aicardi-Goutieres syndrome 6; Symmetrical dyschromatosis of extremities. Last evaluated: 2025-10-15. Review status: criteria provided, single submitter. Criteria: Invitae Variant Classification Sherloc (09022015). Collection method: clinical testing. Allele origin: germline.
Comment: This sequence change replaces asparagine, which is neutral and polar, with serine, which is neutral and polar, at codon 321 of the ADAR protein (p.Asn321Ser). This variant is present in population databases (rs760376737, gnomAD 0.007%). This variant has not been reported in the literature in individuals affected with ADAR-related conditions. ClinVar contains an entry for this variant (Variation ID: 1006282). Invitae Evidence Modeling of protein sequence and biophysical properties (such as structural, functional, and spatial information, amino acid conservation, physicochemical variation, residue mobility, and thermodynamic stability) has been performed for this missense variant. However, the output from this modeling did not meet the statistical confidence thresholds required to predict the impact of this variant on ADAR protein function. In summary, the available evidence is currently insufficient to determine the role of this variant in disease. Therefore, it has been classified as a Variant of Uncertain Significance.

Blueprint Genetics
Classification: Uncertain significance. Last evaluated: 2024-10-15. Review status: criteria provided, single submitter. Criteria: ACMG Guidelines, 2015. Collection method: clinical testing. Allele origin: germline.

Neuberg Centre For Genomic Medicine, NCGM
Classification: Uncertain significance for Aicardi-Goutieres syndrome 6. Review status: criteria provided, single submitter. Criteria: ACMG Guidelines, 2015. Collection method: clinical testing. Allele origin: germline. Inheritance: Autosomal recessive inheritance. Affected: yes.

NM_001111.5(ADAR):c.962A>G (p.Asn321Ser)

Gene: ADAR (adenosine deaminase RNA specific; minus strand). Cytogenetic location: 1q21.3.
Variant type: single nucleotide variant.
Coding change: c.962A>G on transcript NM_001111.5 (MANE Select); coding-DNA position 962, A replaced by G.
Protein change: p.Asn321Ser; replaces asparagine 321 with serine.
Molecular consequence: missense variant.
Genome position (GRCh38, 1-based): chr1:154,601,680, T>C on the plus strand (A>G on the coding strand, the complement: ADAR is on the minus strand). VCF-style: chr1-154601680-T-C. GRCh37 (hg19) VCF-style: chr1-154574156-T-C.
Other names: c.77A>G, p.Asn26Ser (NM_001025107.3, NM_001193495.2, NM_001365046.1 and 3 more transcripts); c.989A>G, p.Asn330Ser (NM_001365045.1); c.962A>G, p.Asn321Ser (NM_015840.4, NM_015841.4); short protein forms N26S, N321S, N330S.
Identifiers: ClinVar variation 1006282 (VCV001006282.7), dbSNP rs760376737, ClinGen allele CA1131613.